The following is an entry in ClinVar:

NM_201384.3(PLEC):c.6424G>A (p.Ala2142Thr)

Gene: PLEC (plectin; minus strand). Cytogenetic location: 8q24.3.
Variant type: single nucleotide variant.
Coding change: c.6424G>A on transcript NM_201384.3 (MANE Select); coding-DNA position 6424, G replaced by A.
Protein change: p.Ala2142Thr; replaces alanine 2142 with threonine.
Molecular consequence: missense variant.
Genome position (GRCh38, 1-based): chr8:143,923,505, C>T on the plus strand (G>A on the coding strand, the complement: PLEC is on the minus strand). VCF-style: chr8-143923505-C-T. GRCh37 (hg19) VCF-style: chr8-144997673-C-T.
Other names: c.6505G>A, p.Ala2169Thr (NM_000445.5); c.6382G>A, p.Ala2128Thr (NM_201378.4); c.6358G>A, p.Ala2120Thr (NM_201379.3); c.6835G>A, p.Ala2279Thr (NM_201380.4); c.6328G>A, p.Ala2110Thr (NM_201381.3); c.6424G>A, p.Ala2142Thr (NM_201382.4); c.6436G>A, p.Ala2146Thr (NM_201383.3); short protein forms A2110T, A2120T, A2128T, A2142T, A2146T, A2169T, A2279T.
Identifiers: ClinVar variation 389130 (VCV000389130.18), dbSNP rs370942881, ClinGen allele CA4926000.

ClinVar aggregate classification (germline): Likely benign. Review status: criteria provided, multiple submitters, no conflicts (2 of 4 stars). 5 submissions from 5 submitters: Likely benign (4). 1 of the submissions does not count toward it. Last evaluated 2026-01-12.

Conditions:
PLEC-related disorder. Also called: PLEC-related condition; PLEC-related disorders.
Autosomal recessive limb-girdle muscular dystrophy type 2Q (LGMDR17). Also called: MUSCULAR DYSTROPHY, LIMB-GIRDLE, AUTOSOMAL RECESSIVE 17. Identifiers: Orphanet 254361, MedGen C3150989, MONDO:0013390, OMIM 613723.
Epidermolysis bullosa simplex 5B, with muscular dystrophy (EBS5B). Also called: Epidermolysis bullosa simplex with muscular dystrophy; EPIDERMOLYSIS BULLOSA SIMPLEX AND LIMB-GIRDLE MUSCULAR DYSTROPHY. Identifiers: Orphanet 257, MedGen C2931072, MONDO:0009181, OMIM 226670.
Epidermolysis bullosa simplex with nail dystrophy (EBS5D). Identifiers: MedGen C4225309, MONDO:0014661, OMIM 616487.
Epidermolysis bullosa simplex, Ogna type (EBS5A). Also called: Pidermolysis bullosa simplex 5A, Ogna type; EPIDERMOLYSIS BULLOSA SIMPLEX 5A, OGNA TYPE. Identifiers: Orphanet 79401, MedGen C0432317, MONDO:0007555, OMIM 131950.
Epidermolysis bullosa simplex 5C, with pyloric atresia (EBS5C). Also called: PLEC1-Related Epidermolysis Bullosa with Pyloric Atresia; PLEC-Related Epidermolysis Bullosa with Pyloric Atresia; Epidermolysis bullosa simplex with pyloric atresia. Identifiers: Orphanet 158684, MedGen C2677349, MONDO:0012807, OMIM 612138.

Allele frequency attached by ClinVar (database versions not stated): 1000 Genomes Project 30x 0.00031; TOPMed 0.00031; 1000 Genomes Project 0.00040; gnomAD exomes 0.00055 and 0.00012; ExAC 0.00059; gnomAD 0.00014 and 0.00016.
gnomAD v4.1: 227 of 1,598,078 alleles (0.014%); highest among the groups gnomAD compares: East Asian, 0.4%; 1 homozygote.

Submissions (5):

Labcorp Genetics (formerly Invitae), Labcorp
Classification: Likely benign for Autosomal recessive limb-girdle muscular dystrophy type 2Q; Epidermolysis bullosa simplex, Ogna type; Epidermolysis bullosa simplex with nail dystrophy; Epidermolysis bullosa simplex 5C, with pyloric atresia; Epidermolysis bullosa simplex 5B, with muscular dystrophy. Last evaluated: 2026-01-12. Review status: criteria provided, single submitter. Criteria: Invitae Variant Classification Sherloc (09022015). Collection method: clinical testing. Allele origin: germline.

GeneDx
Classification: Likely benign. Last evaluated: 2019-07-03. Review status: criteria provided, single submitter. Criteria: GeneDx Variant Classification Process June 2021. Collection method: clinical testing. Allele origin: germline. Affected: yes.

Athena Diagnostics
Classification: Likely benign. Last evaluated: 2018-08-14. Review status: criteria provided, single submitter. Criteria: Athena Diagnostics Criteria. Collection method: clinical testing. Allele origin: germline.

Eurofins Ntd Llc (ga)
Classification: Likely benign. Last evaluated: 2018-05-18. Review status: criteria provided, single submitter. Criteria: EGL ClinVar v180209 classification definitions. Collection method: clinical testing. Allele origin: germline. Observed: 2 variant alleles, 2 heterozygotes.

PreventionGenetics, part of Exact Sciences
Classification: Likely benign for PLEC-related condition. Last evaluated: 2020-07-01. Review status: no assertion criteria provided. Collection method: clinical testing. Allele origin: germline. Not counted in ClinVar's aggregate classification.
Comment: This variant is classified as likely benign based on ACMG/AMP sequence variant interpretation guidelines (Richards et al. 2015 PMID: 25741868, with internal and published modifications).